The following is an entry in ClinVar:

ClinVar aggregate classification (germline): Uncertain significance (1 of 4 stars; one submission).

gnomAD v4.1: 2 of 1,614,118 alleles (0.00012%); highest among the groups gnomAD compares: Non-Finnish European, 0.00017%; no homozygotes.

Submission:

GeneDx
Classification: Uncertain significance. Last evaluated: 2026-02-12. Review status: criteria provided, single submitter. Criteria: GeneDx Variant Classification Process June 2021. Collection method: clinical testing. Allele origin: germline.
Comment: Reported in the published literature in a proband with suspected CAD deficiency; however, detailed clinical information was not provided (PMID: 37540500); Not observed at significant frequency in large population cohorts (gnomAD); In silico analysis suggests that this missense variant does not alter protein structure/function; This variant is associated with the following publications: (PMID: 37540500)

NM_004341.5(CAD):c.583C>A (p.Gln195Lys)

Gene: CAD (carbamoyl-phosphate synthetase 2, aspartate transcarbamylase, and dihydroorotase; plus strand). Cytogenetic location: 2p23.3.
Variant type: single nucleotide variant.
Coding change: c.583C>A on transcript NM_004341.5 (MANE Select); coding-DNA position 583, C replaced by A.
Protein change: p.Gln195Lys; replaces glutamine 195 with lysine.
Molecular consequence: missense variant.
Genome position (GRCh38, 1-based): chr2:27,222,606, C>A. VCF-style: chr2-27222606-C-A. GRCh37 (hg19) VCF-style: chr2-27445474-C-A.
Other names: c.583C>A, p.Gln195Lys (NM_001306079.2); short protein forms Q195K.
Identifiers: ClinVar variation 4975690 (VCV004975690.1).
Genomic context (GRCh38, chr2:27,222,606, plus strand): 5'-GCCCCTCGGATCCTTGCTTTGGACTGTGGCCTCAAGTATAATCAGATCCGATGCCTCTGC[C>A]AGCGTGGGGCTGAGGTCACTGTGGTACCCTGGGACCATGCACTAGACAGCCAAGGTGAGT-3'
Protein context (NP_004332.2, residues 185-205): LKYNQIRCLC[Gln195Lys]RGAEVTVVPW